The following is an entry in ClinVar:

ClinVar aggregate classification (germline): Benign (1 of 4 stars; one submission).

Conditions:
Lynch syndrome 4 (LYNCH4). Also called: Colorectal cancer, hereditary nonpolyposis, type 4; Hereditary non-polyposis colorectal cancer, type 4. Identifiers: Orphanet 144, MedGen C1838333, MONDO:0013699, OMIM 614337. Disease mechanism: loss of function.

Submission:

Myriad Genetics, Inc.
Classification: Benign for Lynch syndrome 4. Last evaluated: 2025-01-28. Review status: criteria provided, single submitter. Criteria: Myriad Autosomal Dominant, Autosomal Recessive and X-Linked Classification Criteria (2023). Collection method: clinical testing. Allele origin: unknown.
Comment: This variant is considered benign. This variant is intronic and is not expected to impact mRNA splicing.

NM_000535.7(PMS2):c.804-41T>G

Gene: PMS2 (PMS1 homolog 2, mismatch repair system component; minus strand). Cytogenetic location: 7p22.1.
Variant type: single nucleotide variant.
Coding change: c.804-41T>G on transcript NM_000535.7 (MANE Select); 41 bases into the intron before coding-DNA position 804, T replaced by G.
Molecular consequence: intron variant.
Genome position (GRCh38, 1-based): chr7:5,995,674, A>C on the plus strand (T>G on the coding strand, the complement: PMS2 is on the minus strand). VCF-style: chr7-5995674-A-C. GRCh37 (hg19) VCF-style: chr7-6035305-A-C.
Other names: c.486-41T>G (NM_001322008.2, NM_001406902.1, NM_001406883.1 and 4 more transcripts); c.495-41T>G (NM_001406881.1, NM_001406879.1, NM_001322015.2 and 6 more transcripts); c.399-41T>G (NM_001406895.1, NM_001322010.2, NM_001322004.2 and 19 more transcripts); c.133-3617T>G (NM_001406911.1); c.291-41T>G (NM_001406904.1, NM_001406905.1); c.231-41T>G (NM_001322013.2, NM_001406909.1); c.-130-41T>G (NM_001322012.2, NM_001322011.2); c.468-41T>G (NM_001406885.1); and 8 more.
Identifiers: ClinVar variation 3904331 (VCV003904331.1).